The following is an entry in ClinVar:

ClinVar aggregate classification (germline): Uncertain significance. Review status: criteria provided, multiple submitters, no conflicts (2 of 4 stars). 3 submissions from 3 submitters: Uncertain significance (3). Last evaluated 2026-06-26.

Conditions:
Microcephalic osteodysplastic primordial dwarfism type II (MOPD2). Also called: OSTEODYSPLASTIC PRIMORDIAL DWARFISM, TYPE II; Microcephalic osteodysplastic primordial dwarfism with tooth abnormalities; MOPD II. Identifiers: Orphanet 2637, MedGen C0432246, MONDO:0008872, OMIM 210720.
PCNT-related disorder. Also called: PCNT-related condition.

Allele frequency attached by ClinVar (database versions not stated): ExAC 0.00002; gnomAD exomes 0.00003 and 0.00008; gnomAD 0.00006 and 0.00007; TOPMed 0.00008.
gnomAD v4.1: 126 of 1,613,982 alleles (0.0078%); highest among the groups gnomAD compares: Admixed American, 0.01%; no homozygotes.

Submissions (3):

PreventionGenetics, part of Exact Sciences
Classification: Uncertain significance for PCNT-related condition. Last evaluated: 2026-06-26. Review status: criteria provided, single submitter. Criteria: ACMG Guidelines, 2015. Collection method: clinical testing. Allele origin: germline.
Comment: The PCNT c.8116G>A variant is predicted to result in the amino acid substitution p.Val2706Met. To our knowledge, this variant has not been reported in the literature. This variant is reported in 0.0078% of alleles in individuals of European (Non-Finnish) descent in gnomAD. At this time, the clinical significance of this variant is uncertain due to the absence of conclusive functional and genetic evidence.

Labcorp Genetics (formerly Invitae), Labcorp
Classification: Uncertain significance. Last evaluated: 2024-11-18. Review status: criteria provided, single submitter. Criteria: Invitae Variant Classification Sherloc (09022015). Collection method: clinical testing. Allele origin: germline.
Comment: This sequence change replaces valine, which is neutral and non-polar, with methionine, which is neutral and non-polar, at codon 2706 of the PCNT protein (p.Val2706Met). This variant is present in population databases (rs780988556, gnomAD 0.009%). This variant has not been reported in the literature in individuals affected with PCNT-related conditions. ClinVar contains an entry for this variant (Variation ID: 340533). An algorithm developed to predict the effect of missense changes on protein structure and function (PolyPhen-2) suggests that this variant is likely to be disruptive. In summary, the available evidence is currently insufficient to determine the role of this variant in disease. Therefore, it has been classified as a Variant of Uncertain Significance.

Illumina Laboratory Services, Illumina
Classification: Uncertain significance for Microcephalic osteodysplastic primordial dwarfism type II. Last evaluated: 2018-01-13. Review status: criteria provided, single submitter. Criteria: ICSL Variant Classification Criteria 13 December 2019. Collection method: clinical testing. Allele origin: germline.

NM_006031.6(PCNT):c.8116G>A (p.Val2706Met)

Gene: PCNT (pericentrin; plus strand). Cytogenetic location: 21q22.3.
Variant type: single nucleotide variant.
Coding change: c.8116G>A on transcript NM_006031.6 (MANE Select); coding-DNA position 8116, G replaced by A.
Protein change: p.Val2706Met; replaces valine 2706 with methionine.
Molecular consequence: missense variant.
Genome position (GRCh38, 1-based): chr21:46,431,580, G>A. VCF-style: chr21-46431580-G-A. GRCh37 (hg19) VCF-style: chr21-47851494-G-A.
Other names: c.7762G>A, p.Val2588Met (NM_001315529.2); short protein forms V2706M, V2588M.
Identifiers: ClinVar variation 340533 (VCV000340533.9), dbSNP rs780988556, ClinGen allele CA10080897.